The following is an entry in ClinVar:

NM_032119.4(ADGRV1):c.2633T>C (p.Ile878Thr)

Gene: ADGRV1 (adhesion G protein-coupled receptor V1; plus strand). Cytogenetic location: 5q14.3.
Variant type: single nucleotide variant.
Coding change: c.2633T>C on transcript NM_032119.4 (MANE Select); coding-DNA position 2633, T replaced by C.
Protein change: p.Ile878Thr; replaces isoleucine 878 with threonine.
Molecular consequence: missense variant. On other transcripts: non-coding transcript variant (1).
Genome position (GRCh38, 1-based): chr5:90,643,882, T>C. VCF-style: chr5-90643882-T-C. GRCh37 (hg19) VCF-style: chr5-89939699-T-C.
Other names: short protein forms I878T.
Identifiers: ClinVar variation 1519448 (VCV001519448.3), dbSNP rs1767333735, ClinGen allele CA360389434.

ClinVar aggregate classification (germline): Uncertain significance (1 of 4 stars; one submission).

Allele frequency attached by ClinVar (database versions not stated): gnomAD exomes below 0.00001; gnomAD 0.00001.
gnomAD v4.1: 3 of 1,611,730 alleles (0.00019%); highest among the groups gnomAD compares: Admixed American, 0.005%; no homozygotes.

Submission:

Labcorp Genetics (formerly Invitae), Labcorp
Classification: Uncertain significance. Last evaluated: 2022-07-18. Review status: criteria provided, single submitter. Criteria: Invitae Variant Classification Sherloc (09022015). Collection method: clinical testing. Allele origin: germline.
Comment: This sequence change replaces isoleucine, which is neutral and non-polar, with threonine, which is neutral and polar, at codon 878 of the ADGRV1 protein (p.Ile878Thr). This variant is not present in population databases (gnomAD no frequency). This variant has not been reported in the literature in individuals affected with ADGRV1-related conditions. ClinVar contains an entry for this variant (Variation ID: 1519448). Algorithms developed to predict the effect of missense changes on protein structure and function are either unavailable or do not agree on the potential impact of this missense change (SIFT: "Deleterious"; PolyPhen-2: "Possibly Damaging"; Align-GVGD: "Class C0"). In summary, the available evidence is currently insufficient to determine the role of this variant in disease. Therefore, it has been classified as a Variant of Uncertain Significance.